The following is an entry in ClinVar:

ClinVar aggregate classification (germline): Conflicting classifications of pathogenicity. Review status: criteria provided, conflicting classifications (1 of 4 stars). 9 submissions from 9 submitters: Uncertain significance (7); Likely benign (1). 1 of the submissions does not count toward it. Last evaluated 2025-03-12.

Conditions:
Congenital myopathy with fiber type disproportion. Also called: Congenital fiber-type disproportion; Congenital fiber-type disproportion myopathy. Identifiers: Orphanet 2020, MedGen C0546264, MONDO:0009711. Inheritance: all.
Malignant hyperthermia, susceptibility to, 1 (MHS1). Also called: Anesthesia related hyperthermia; Malignant hyperpyrexia; Fulminating hyperpyrexia; Pharmacogenic myopathy; RYR1-Related Malignant Hyperthermia Susceptibility; Malignant hyperthermia suceptibility 1. Identifiers: Orphanet 423, MedGen C2930980, MONDO:0007783, OMIM 145600.
Congenital multicore myopathy with external ophthalmoplegia (CMYO1B). Also called: MULTICORE MYOPATHY; MULTIMINICORE DISEASE WITH EXTERNAL OPHTHALMOPLEGIA; Minicore myopathy with external ophthalmoplegia; Congenital myopathy 1B, autosomal recessive; Minicore myopathy. Identifiers: Orphanet 598, Orphanet 98905, MedGen C1850674, MONDO:0009712, OMIM 255320, HP:0003789.
Central core myopathy (CMYO1A). Also called: CONGENITAL MYOPATHY 1A, AUTOSOMAL DOMINANT, WITH SUSCEPTIBILITY TO MALIGNANT HYPERTHERMIA; Central core disease; Myopathy, central fibrillar. Identifiers: Orphanet 597, MedGen C5830701, MONDO:0007294, OMIM 117000.
King Denborough syndrome (KDS). Identifiers: MedGen C1840365, MONDO:0020485, OMIM 619542.
RYR1-related disorder. Also called: RYR1-related disorders; RYR1-related condition. Identifiers: MedGen CN239331.
Inborn genetic diseases. Identifiers: MedGen C0950123, MeSH D030342.

Allele frequency attached by ClinVar (database versions not stated): gnomAD exomes 0.00006 and 0.00016; ExAC 0.00021; 1000 Genomes Project 0.00040; 1000 Genomes Project 30x 0.00047; gnomAD 0.00057 and 0.00061; TOPMed 0.00074; ESP Exome Variant Server 0.00085.
gnomAD v4.1: 178 of 1,613,806 alleles (0.011%); highest among the groups gnomAD compares: African/African-American, 0.22%; no homozygotes.

Submissions (9):

GeneDx
Classification: Uncertain significance. Last evaluated: 2025-03-12. Review status: criteria provided, single submitter. Criteria: GeneDx Variant Classification Process June 2021. Collection method: clinical testing. Allele origin: germline. Affected: yes.
Comment: In silico analysis supports that this missense variant has a deleterious effect on protein structure/function; This variant is associated with the following publications: (PMID: 33767344, 32236737)

Labcorp Genetics (formerly Invitae), Labcorp
Classification: Uncertain significance for RYR1-related disorder. Last evaluated: 2025-01-29. Review status: criteria provided, single submitter. Criteria: Invitae Variant Classification Sherloc (09022015). Collection method: clinical testing. Allele origin: germline.
Comment: This sequence change replaces threonine, which is neutral and polar, with isoleucine, which is neutral and non-polar, at codon 148 of the RYR1 protein (p.Thr148Ile). This variant is present in population databases (rs151325948, gnomAD 0.2%). This missense change has been observed in individual(s) with RYR1-related myopathy (PMID: 32236737). ClinVar contains an entry for this variant (Variation ID: 499535). Invitae Evidence Modeling of protein sequence and biophysical properties (such as structural, functional, and spatial information, amino acid conservation, physicochemical variation, residue mobility, and thermodynamic stability) has been performed for this missense variant. However, the output from this modeling did not meet the statistical confidence thresholds required to predict the impact of this variant on RYR1 protein function. In summary, the available evidence is currently insufficient to determine the role of this variant in disease. Therefore, it has been classified as a Variant of Uncertain Significance.

Revvity Omics, Revvity
Classification: Uncertain significance. Last evaluated: 2023-04-10. Review status: criteria provided, single submitter. Criteria: ACMG Guidelines, 2015. Collection method: clinical testing. Allele origin: germline.

Color Diagnostics, LLC DBA Color Health
Classification: Likely benign for Malignant hyperthermia, susceptibility to, 1. Last evaluated: 2022-08-04. Review status: criteria provided, single submitter. Criteria: ACMG Guidelines, 2015. Collection method: clinical testing. Allele origin: germline.

Fulgent Genetics
Classification: Uncertain significance for Central core myopathy; Malignant hyperthermia, susceptibility to, 1; Congenital myopathy 4A, autosomal dominant; Congenital multicore myopathy with external ophthalmoplegia; King Denborough syndrome. Last evaluated: 2022-02-10. Review status: criteria provided, single submitter. Criteria: ACMG Guidelines, 2015. Collection method: clinical testing. Allele origin: unknown.

Eurofins Ntd Llc (ga)
Classification: Uncertain significance. Last evaluated: 2017-01-09. Review status: criteria provided, single submitter. Criteria: EGL Classification Definitions 2015. Collection method: clinical testing. Allele origin: germline. Observed: 1 variant allele, 1 heterozygote.

Ambry Genetics
Classification: Uncertain significance for Inborn genetic diseases. Last evaluated: 2016-11-10. Review status: criteria provided, single submitter. Criteria: Ambry exome assertion method (8-5-2015). Collection method: clinical testing. Allele origin: germline. Affected: yes. Observed: 1 variant allele.

Breakthrough Genomics
Classification: Uncertain significance. Review status: criteria provided, single submitter. Criteria: ACMG Guidelines, 2015. Collection method: not provided. Allele origin: germline. Inheritance: Autosomal dominant inheritance. Affected: yes.

PreventionGenetics, part of Exact Sciences
Classification: Likely benign for RYR1-related condition. Last evaluated: 2023-06-16. Review status: no assertion criteria provided. Collection method: clinical testing. Allele origin: germline. Not counted in ClinVar's aggregate classification.
Comment: This variant is classified as likely benign based on ACMG/AMP sequence variant interpretation guidelines (Richards et al. 2015 PMID: 25741868, with internal and published modifications).

Literature cited by the submitters: PubMed 32236737 (cited by Labcorp Genetics (formerly Invitae), Labcorp); PubMed 25517095 (cited by Ambry Genetics).

NM_000540.3(RYR1):c.443C>T (p.Thr148Ile)

Gene: RYR1 (ryanodine receptor 1; plus strand). Cytogenetic location: 19q13.2.
Variant type: single nucleotide variant.
Coding change: c.443C>T on transcript NM_000540.3 (MANE Select); coding-DNA position 443, C replaced by T.
Protein change: p.Thr148Ile; replaces threonine 148 with isoleucine.
Molecular consequence: missense variant.
Genome position (GRCh38, 1-based): chr19:38,444,167, C>T. VCF-style: chr19-38444167-C-T. GRCh37 (hg19) VCF-style: chr19-38934807-C-T.
Other names: c.443C>T, p.Thr148Ile (NM_001042723.2); short protein forms T148I.
Identifiers: ClinVar variation 499535 (VCV000499535.32), dbSNP rs151325948, ClinGen allele CA066047.